The following is an entry in ClinVar:

ClinVar aggregate classification (germline): Uncertain significance (1 of 4 stars; one submission).

Conditions:
Nemaline myopathy 2 (NEM2). Also called: Nemaline myopathy 2, autosomal recessive. Identifiers: MedGen C1850569, MONDO:0009725, OMIM 256030.

gnomAD v4.1: 9 of 1,613,736 alleles (0.00056%); highest among the groups gnomAD compares: Non-Finnish European, 0.00076%; no homozygotes.

Submission:

Labcorp Genetics (formerly Invitae), Labcorp
Classification: Uncertain significance for Nemaline myopathy 2. Last evaluated: 2024-12-20. Review status: criteria provided, single submitter. Criteria: Invitae Variant Classification Sherloc (09022015). Collection method: clinical testing. Allele origin: germline.
Comment: This sequence change replaces proline, which is neutral and non-polar, with serine, which is neutral and polar, at codon 1035 of the NEB protein (p.Pro1035Ser). This variant is present in population databases (rs370252074, gnomAD 0.0009%). This variant has not been reported in the literature in individuals affected with NEB-related conditions. Experimental studies and prediction algorithms are not available or were not evaluated, and the functional significance of this variant is currently unknown. In summary, the available evidence is currently insufficient to determine the role of this variant in disease. Therefore, it has been classified as a Variant of Uncertain Significance.

NM_001164508.2(NEB):c.3103C>T (p.Pro1035Ser)

Gene: NEB (nebulin; minus strand). Cytogenetic location: 2q23.3.
Variant type: single nucleotide variant.
Coding change: c.3103C>T on transcript NM_001164508.2 (MANE Select); coding-DNA position 3103, C replaced by T.
Protein change: p.Pro1035Ser; replaces proline 1035 with serine.
Molecular consequence: missense variant.
Genome position (GRCh38, 1-based): chr2:151,679,962, G>A on the plus strand (C>T on the coding strand, the complement: NEB is on the minus strand). VCF-style: chr2-151679962-G-A. GRCh37 (hg19) VCF-style: chr2-152536476-G-A.
Other names: c.3103C>T, p.Pro1035Ser (NM_001164507.2, NM_001271208.2, NM_004543.5); short protein forms P1035S.
Identifiers: ClinVar variation 3624852 (VCV003624852.2).